The following is an entry in ClinVar:

NM_001378454.1(ALMS1):c.5510_5512del (p.Ala1837del)

Gene: ALMS1 (ALMS1 centrosome and basal body associated protein; plus strand). Cytogenetic location: 2p13.1.
Variant type: Deletion.
Coding change: c.5510_5512del on transcript NM_001378454.1 (MANE Select); coding-DNA positions 5510 to 5512, 3 bases deleted (CTG; older notation c.5510_5512delCTG).
Protein change: p.Ala1837del; deletes alanine 1837.
Molecular consequence: inframe deletion.
Genome position (GRCh38, 1-based): chr2:73,452,037-73,452,039, CTG deleted; deleting any 3 consecutive bases within chr2:73,452,036-73,452,039 gives the same sequence; the c. name uses the placement nearest the transcript's 3' end. VCF-style (leftmost placement, unchanged base first): chr2-73452035-AGCT-A. GRCh37 (hg19) VCF-style: chr2-73679162-AGCT-A.
Other names: c.5513_5515del, p.Ala1838del (NM_015120.4); c.5513_5515delCTG (NM_015120.4); short protein forms A1837del, A1838del.
Identifiers: ClinVar variation 1352991 (VCV001352991.7), dbSNP rs2103786773, ClinGen allele CA2573135790.

ClinVar aggregate classification (germline): Uncertain significance. Review status: criteria provided, multiple submitters, no conflicts (2 of 4 stars). 3 submissions from 3 submitters: Uncertain significance (3). Last evaluated 2025-10-15.

Conditions:
Cardiovascular phenotype. Identifiers: MedGen CN230736.
Alstrom syndrome (ALMS). Identifiers: Orphanet 64, MedGen C0268425, MONDO:0008763, OMIM 203800.

Submissions (3):

Ambry Genetics
Classification: Uncertain significance for Cardiovascular phenotype. Last evaluated: 2025-10-15. Review status: criteria provided, single submitter. Criteria: Ambry Variant Classification Scheme 2023. Collection method: clinical testing. Allele origin: germline.
Comment: The c.5513_5515delCTG variant (also known as p.A1838del) is located in coding exon 8 of the ALMS1 gene. This variant results from an in-frame CTG deletion at nucleotide positions 5513 to 5515. This results in the in-frame deletion of an alanine at codon 1838. This amino acid position is poorly conserved in available vertebrate species. In addition, the in silico prediction for this variant is inconclusive (Choi Y et al. PLoS ONE. 2012; 7(10):e46688). Based on the available evidence, the clinical significance of this variant remains unclear.

Fulgent Genetics
Classification: Uncertain significance for Alstrom syndrome. Last evaluated: 2022-04-11. Review status: criteria provided, single submitter. Criteria: ACMG Guidelines, 2015. Collection method: clinical testing. Allele origin: unknown.

Labcorp Genetics (formerly Invitae), Labcorp
Classification: Uncertain significance for Alstrom syndrome. Last evaluated: 2022-03-18. Review status: criteria provided, single submitter. Criteria: Invitae Variant Classification Sherloc (09022015). Collection method: clinical testing. Allele origin: germline.
Comment: This variant, c.5513_5515del, results in the deletion of 1 amino acid(s) of the ALMS1 protein (p.Ala1838del), but otherwise preserves the integrity of the reading frame. This variant is not present in population databases (gnomAD no frequency). This variant has not been reported in the literature in individuals affected with ALMS1-related conditions. Experimental studies and prediction algorithms are not available or were not evaluated, and the functional significance of this variant is currently unknown. In summary, the available evidence is currently insufficient to determine the role of this variant in disease. Therefore, it has been classified as a Variant of Uncertain Significance.